The following is an entry in ClinVar:

NM_000051.4(ATM):c.496+8T>C

Gene: ATM (ATM serine/threonine kinase; plus strand). Cytogenetic location: 11q22.3.
Variant type: single nucleotide variant.
Coding change: c.496+8T>C on transcript NM_000051.4 (MANE Select); 8 bases into the intron after coding-DNA position 496, T replaced by C.
Molecular consequence: intron variant.
Genome position (GRCh38, 1-based): chr11:108,235,842, T>C. VCF-style: chr11-108235842-T-C. GRCh37 (hg19) VCF-style: chr11-108106569-T-C.
Other names: c.496+8T>C (NM_001351834.2).
Identifiers: ClinVar variation 1171299 (VCV001171299.6), dbSNP rs2135126803, ClinGen allele CA2499220541.

ClinVar aggregate classification (germline): Likely benign. Review status: criteria provided, multiple submitters, no conflicts (2 of 4 stars). 3 submissions from 3 submitters: Likely benign (3). Last evaluated 2024-04-19.

Conditions:
Ataxia-telangiectasia syndrome (AT). Also called: Ataxia telangiectasia (A-T); ATAXIA-TELANGIECTASIA, COMPLEMENTATION GROUP A; ATAXIA-TELANGIECTASIA, FRESNO VARIANT; Ataxia-telangiectasia, complementation group D; AT, COMPLEMENTATION GROUP C; Ataxia-telangiectasia, complementation group E. Identifiers: Orphanet 100, MedGen C0004135, MONDO:0008840, OMIM 208900.
Familial cancer of breast. Also called: Hereditary breast cancer; BREAST CANCER, FAMILIAL; hereditary breast carcinoma. Identifiers: Orphanet 227535, MedGen C0346153, MONDO:0016419, OMIM 114480. Disease mechanism: loss of function.
Hereditary cancer-predisposing syndrome. Also called: Hereditary neoplastic syndrome; Neoplastic Syndromes, Hereditary; Hereditary Cancer Syndrome; Tumor predisposition. Identifiers: Orphanet 140162, MedGen C0027672, MeSH D009386, MONDO:0015356.

Submissions (3):

Myriad Genetics, Inc.
Classification: Likely benign for Familial cancer of breast. Last evaluated: 2024-04-19. Review status: criteria provided, single submitter. Criteria: Myriad Autosomal Dominant, Autosomal Recessive and X-Linked Classification Criteria (2023). Collection method: clinical testing. Allele origin: unknown.
Comment: This variant is considered likely benign. This variant is intronic and is not expected to impact mRNA splicing.

Labcorp Genetics (formerly Invitae), Labcorp
Classification: Likely benign for Ataxia-telangiectasia syndrome. Last evaluated: 2023-05-01. Review status: criteria provided, single submitter. Criteria: Invitae Variant Classification Sherloc (09022015). Collection method: clinical testing. Allele origin: germline.

Color Diagnostics, LLC DBA Color Health
Classification: Likely benign for Hereditary cancer-predisposing syndrome. Last evaluated: 2021-01-26. Review status: criteria provided, single submitter. Criteria: ACMG Guidelines, 2015. Collection method: clinical testing. Allele origin: germline.